The following is an entry in ClinVar:

ClinVar aggregate classification (germline): Benign/Likely benign. Review status: criteria provided, multiple submitters, no conflicts (2 of 4 stars). 6 submissions from 6 submitters: Benign (1); Likely benign (5). Last evaluated 2026-01-21.

Conditions:
Succinate-semialdehyde dehydrogenase deficiency (SSADHD). Also called: Succinic Semialdehyde Dehydrogenase Deficiency; SSADH DEFICIENCY; GABA METABOLIC DEFECT; 4-HYDROXYBUTYRIC ACIDURIA. Identifiers: Orphanet 22, MedGen C0268631, MONDO:0010083, OMIM 271980.

Allele frequency attached by ClinVar (database versions not stated): 1000 Genomes Project 0.00140; 1000 Genomes Project 30x 0.00172; ESP Exome Variant Server 0.00192; gnomAD 0.00200 and 0.00217; TOPMed 0.00230.
gnomAD v4.1: 628 of 1,614,032 alleles (0.039%); highest among the groups gnomAD compares: African/African-American, 0.6%; 7 homozygotes.

Submissions (6):

Labcorp Genetics (formerly Invitae), Labcorp
Classification: Benign for Succinate-semialdehyde dehydrogenase deficiency. Last evaluated: 2026-01-21. Review status: criteria provided, single submitter. Criteria: Invitae Variant Classification Sherloc (09022015). Collection method: clinical testing. Allele origin: germline.

Mayo Clinic Laboratories, Mayo Clinic
Classification: Likely benign. Last evaluated: 2025-01-28. Review status: criteria provided, single submitter. Criteria: ACMG Guidelines, 2015. Collection method: clinical testing. Allele origin: germline. Observed: 1 variant allele.
Comment: BS1, BS2

Blueprint Genetics
Classification: Likely benign. Last evaluated: 2024-10-30. Review status: criteria provided, single submitter. Criteria: ACMG Guidelines, 2015. Collection method: clinical testing. Allele origin: germline.

GeneDx
Classification: Likely benign. Last evaluated: 2020-12-14. Review status: criteria provided, single submitter. Criteria: GeneDx Variant Classification Process June 2021. Collection method: clinical testing. Allele origin: germline. Affected: yes.

Illumina Laboratory Services, Illumina
Classification: Likely benign for Succinate-semialdehyde dehydrogenase deficiency. Last evaluated: 2018-01-13. Review status: criteria provided, single submitter. Criteria: ICSL Variant Classification Criteria 13 December 2019. Collection method: clinical testing. Allele origin: germline.
Comment: This variant was observed in the ICSL laboratory as part of a predisposition screen in an ostensibly healthy population. It had not been previously curated by ICSL or reported in the Human Gene Mutation Database (HGMD: prior to June 1st, 2018), and was therefore a candidate for classification through an automated scoring system. Utilizing variant allele frequency, disease prevalence and penetrance estimates, and inheritance mode, an automated score was calculated to assess if this variant is too frequent to cause the disease. Based on the score and internal cut-off values, a variant classified as likely benign is not then subjected to further curation. The score for this variant resulted in a classification of likely benign for this disease.

Eurofins Ntd Llc (ga)
Classification: Likely benign. Last evaluated: 2016-10-31. Review status: criteria provided, single submitter. Criteria: EGL Classification Definitions 2015. Collection method: clinical testing. Allele origin: germline. Observed: 1 variant allele, 1 heterozygote.

NM_001080.3(ALDH5A1):c.480C>T (p.Ser160=)

Gene: ALDH5A1 (aldehyde dehydrogenase 5 family member A1; plus strand). Cytogenetic location: 6p22.3.
Variant type: single nucleotide variant.
Coding change: c.480C>T on transcript NM_001080.3 (MANE Select); coding-DNA position 480, C replaced by T.
Protein change: p.Ser160=; no amino-acid change (serine 160 retained).
Molecular consequence: synonymous variant.
Genome position (GRCh38, 1-based): chr6:24,503,304, C>T. VCF-style: chr6-24503304-C-T. GRCh37 (hg19) VCF-style: chr6-24503532-C-T.
Other names: p.Ser160=; c.480C>T, p.Ser160= (NM_001368954.1, NM_170740.1).
Identifiers: ClinVar variation 459988 (VCV000459988.24), dbSNP rs143486700, ClinGen allele CA3656634.
Genomic context (GRCh38, chr6:24,503,304, plus strand): 5'-CTTTTCTGATTTAATTTAGGGAAAGCCACTGAAGGAGGCACATGGAGAAATTCTCTATTC[C>T]GCCTTTTTCCTAGAGTGGTTCTCTGAGGAAGCCCGCCGTGTTTACGGAGACATTATCCAC-3'
Protein context (NP_001071.1, residues 150-170): LKEAHGEILY[Ser160=]AFFLEWFSEE